The following is an entry in ClinVar:

NM_002609.4(PDGFRB):c.2116G>A (p.Asp706Asn)

Gene: PDGFRB (platelet derived growth factor receptor beta; minus strand). Cytogenetic location: 5q32.
Variant type: single nucleotide variant.
Coding change: c.2116G>A on transcript NM_002609.4 (MANE Select); coding-DNA position 2116, G replaced by A.
Protein change: p.Asp706Asn; replaces aspartic acid 706 with asparagine.
Molecular consequence: missense variant.
Genome position (GRCh38, 1-based): chr5:150,123,109, C>T on the plus strand (G>A on the coding strand, the complement: PDGFRB is on the minus strand). VCF-style: chr5-150123109-C-T. GRCh37 (hg19) VCF-style: chr5-149502672-C-T.
Other names: c.1924G>A, p.Asp642Asn (NM_001355016.2); c.1633G>A, p.Asp545Asn (NM_001355017.2); short protein forms D545N, D642N, D706N.
Identifiers: ClinVar variation 2573878 (VCV002573878.2), dbSNP rs770635073, ClinGen allele CA3507750.
Genomic context (GRCh38, chr5:150,123,109, plus strand): 5'-GGGGGAGCCCAACGGGCAGAGCATTGCTGTAGAGCTCCGCGCTGGGCGGGCGGCGCTTGT[C>T]GGAGTGGTGCTGCAGGAAGGTGTGTTTGTTGCGGTGCAGGTAGTCCACCAGGTCTCCGTA-3'
Protein context (NP_002600.1, residues 696-716): NKHTFLQHHS[Asp706Asn]KRRPPSAELY

ClinVar aggregate classification (germline): Uncertain significance. Review status: criteria provided, multiple submitters, no conflicts (2 of 4 stars). 2 submissions from 2 submitters: Uncertain significance (2). Last evaluated 2025-04-08.

Conditions:
Inborn genetic diseases. Identifiers: MedGen C0950123, MeSH D030342.

Allele frequency attached by ClinVar (database versions not stated): gnomAD exomes 0.00001; ExAC 0.00002; TOPMed 0.00002; gnomAD 0.00003.
gnomAD v4.1: 24 of 1,613,862 alleles (0.0015%); highest among the groups gnomAD compares: South Asian, 0.0044%; no homozygotes.

Submissions (2):

Ambry Genetics
Classification: Uncertain significance for Inborn genetic diseases. Last evaluated: 2025-04-08. Review status: criteria provided, single submitter. Criteria: Ambry Variant Classification Scheme 2023. Collection method: clinical testing. Allele origin: germline.

GeneDx
Classification: Uncertain significance. Last evaluated: 2023-01-23. Review status: criteria provided, single submitter. Criteria: GeneDx Variant Classification Process June 2021. Collection method: clinical testing. Allele origin: germline. Affected: yes.
Comment: Not observed at significant frequency in large population cohorts (gnomAD); In silico analysis supports that this missense variant does not alter protein structure/function; Has not been previously published as pathogenic or benign to our knowledge